The following is an entry in ClinVar:

ClinVar aggregate classification (germline): Pathogenic (1 of 4 stars; one submission).

Conditions:
Leber congenital amaurosis 6 (LCA6). Identifiers: Orphanet 65, MedGen C1854260, MONDO:0013446, OMIM 613826.
Cone-rod dystrophy 13 (CORD13). Identifiers: Orphanet 1872, MedGen C2750720, MONDO:0011987, OMIM 608194.

Submission:

Labcorp Genetics (formerly Invitae), Labcorp
Classification: Pathogenic for Leber congenital amaurosis 6; Cone-rod dystrophy 13. Last evaluated: 2023-08-04. Review status: criteria provided, single submitter. Criteria: Invitae Variant Classification Sherloc (09022015). Collection method: clinical testing. Allele origin: unknown.
Comment: This variant is a gross deletion of the genomic region encompassing exon(s) 3 of the RPGRIP1 gene. This deletion is out-of-frame, and is expected to create a premature termination codon and result in an absent or disrupted protein product. Loss-of-function variants in RPGRIP1 are known to be pathogenic (PMID: 11528500, 23105016). This variant has not been reported in the literature in individuals affected with RPGRIP1-related conditions. For these reasons, this variant has been classified as Pathogenic.

Literature cited by the submitters: PubMed 11528500; PubMed 23105016.

NC_000014.8:g.(?_21762977)_(21770303_?)del

Gene: RPGRIP1 (RPGR interacting protein 1; plus strand). Cytogenetic location: 14q11.2.
Variant type: Deletion.
Identifiers: ClinVar variation 3243980 (VCV003243980.1).